The following is an entry in ClinVar:

ClinVar aggregate classification (germline): Uncertain significance (1 of 4 stars; one submission).

Conditions:
Kleefstra syndrome 1 (KLEFS1). Identifiers: Orphanet 261494, MedGen C0795833, MONDO:0027407, OMIM 610253.

gnomAD v4.1: 1 of 1,612,364 alleles (0.000062%); highest among the groups gnomAD compares: Non-Finnish European, 0.000085%; no homozygotes.

Submission:

Labcorp Genetics (formerly Invitae), Labcorp
Classification: Uncertain significance for Kleefstra syndrome 1. Last evaluated: 2022-12-15. Review status: criteria provided, single submitter. Criteria: Invitae Variant Classification Sherloc (09022015). Collection method: clinical testing. Allele origin: germline.
Comment: This variant is not present in population databases (gnomAD no frequency). This sequence change replaces alanine, which is neutral and non-polar, with threonine, which is neutral and polar, at codon 63 of the EHMT1 protein (p.Ala63Thr). This variant has not been reported in the literature in individuals affected with EHMT1-related conditions. Algorithms developed to predict the effect of missense changes on protein structure and function output the following: SIFT: "Tolerated"; PolyPhen-2: "Benign"; Align-GVGD: "Class C0". The threonine amino acid residue is found in multiple mammalian species, which suggests that this missense change does not adversely affect protein function. In summary, the available evidence is currently insufficient to determine the role of this variant in disease. Therefore, it has been classified as a Variant of Uncertain Significance.

NM_024757.5(EHMT1):c.187G>A (p.Ala63Thr)

Gene: EHMT1 (euchromatic histone lysine methyltransferase 1; plus strand). Cytogenetic location: 9q34.3.
Variant type: single nucleotide variant.
Coding change: c.187G>A on transcript NM_024757.5 (MANE Select); coding-DNA position 187, G replaced by A.
Protein change: p.Ala63Thr; replaces alanine 63 with threonine.
Molecular consequence: missense variant.
Genome position (GRCh38, 1-based): chr9:137,716,727, G>A. VCF-style: chr9-137716727-G-A. GRCh37 (hg19) VCF-style: chr9-140611179-G-A.
Other names: c.187G>A, p.Ala63Thr (NM_001145527.2, NM_001354263.2, NM_001354611.2); c.94G>A, p.Ala32Thr (NM_001354259.2, NM_001354612.2); short protein forms A32T, A63T.
Identifiers: ClinVar variation 2974513 (VCV002974513.3), dbSNP rs1363379677, ClinGen allele CA375762977.